The following is an entry in ClinVar:

NM_153766.3(KCNJ1):c.742A>C (p.Thr248Pro)

Gene: KCNJ1 (potassium inwardly rectifying channel subfamily J member 1; minus strand). Cytogenetic location: 11q24.3.
Variant type: single nucleotide variant.
Coding change: c.742A>C on transcript NM_153766.3 (MANE Select); coding-DNA position 742, A replaced by C.
Protein change: p.Thr248Pro; replaces threonine 248 with proline.
Molecular consequence: missense variant.
Genome position (GRCh38, 1-based): chr11:128,839,502, T>G on the plus strand (A>C on the coding strand, the complement: KCNJ1 is on the minus strand). VCF-style: chr11-128839502-T-G. GRCh37 (hg19) VCF-style: chr11-128709397-T-G.
Other names: c.799A>C, p.Thr267Pro (NM_000220.6); c.742A>C, p.Thr248Pro (NM_153764.3, NM_153767.4); c.793A>C, p.Thr265Pro (NM_153765.3); short protein forms T248P, T265P, T267P.
Identifiers: ClinVar variation 4850159 (VCV004850159.1).
Genomic context (GRCh38, chr11:128,839,502, plus strand): 5'-GAAGGGTCTCCGCTGCCATGTGGAAGAAAGGGCTGTTGTGATCAATGACATGGTAAATTG[T>G]CAATGGGGAGATGAAGAATAAATTTTCATTCCCAGCGTCAACTACAAAGTTGATATTGAT-3'
Protein context (NP_722450.1, residues 238-258): NENLFFISPL[Thr248Pro]IYHVIDHNSP

ClinVar aggregate classification (germline): Likely pathogenic (1 of 4 stars; one submission).

Conditions:
Bartter disease type 2. Also called: HYPERPROSTAGLANDIN E SYNDROME 2; HYPOKALEMIC ALKALOSIS WITH HYPERCALCIURIA 2, ANTENATAL; Bartter syndrome, type 2, antenatal. Identifiers: Orphanet 112, Orphanet 620220, MedGen C1855849, MONDO:0009424, OMIM 241200.

Submission:

Variantyx, Inc.
Classification: Likely pathogenic for Bartter disease type 2. Last evaluated: 2026-01-09. Review status: criteria provided, single submitter. Criteria: Variantyx Assertion Criteria 2022. Collection method: clinical testing. Allele origin: germline. Inheritance: Autosomal recessive inheritance. Affected: yes.
Comment: This is a nonsynonymous variant in the KCNJ1 gene (OMIM: 600359). Pathogenic variants in this gene have been associated with autosomal recessive Bartter syndrome type 2. The clinical symptoms reported for this proband are highly specific for autosomal recessive Bartter syndrome type 2, which has a limited genetic etiology (PMID:22282380) (PP4). Multiple computational algorithms predict a deleterious effect for this variant (REVEL score: 0.931) (PP3). This variant is absent from control populations (PM2) and it has not been reported in individuals with KCNJ1-related disorders in the databases available for review. Based on the current evidence, this variant is classified as likely pathogenic for autosomal recessive Bartter syndrome type 2.

Literature cited by the submitters: PubMed 22282380.